The following is an entry in ClinVar:

ClinVar aggregate classification (germline): Likely benign. Review status: criteria provided, multiple submitters, no conflicts (2 of 4 stars). 3 submissions from 3 submitters: Likely benign (3). Last evaluated 2026-01-05.

Conditions:
NBAS-related disorder. Also called: NBAS-related condition.

Allele frequency attached by ClinVar (database versions not stated): ExAC 0.00001; gnomAD exomes 0.00001; TOPMed 0.00003; gnomAD 0.00007 and 0.00008.
gnomAD v4.1: 32 of 1,614,162 alleles (0.002%); highest among the groups gnomAD compares: Admixed American, 0.02%; no homozygotes.

Submissions (3):

Labcorp Genetics (formerly Invitae), Labcorp
Classification: Likely benign. Last evaluated: 2026-01-05. Review status: criteria provided, single submitter. Criteria: Invitae Variant Classification Sherloc (09022015). Collection method: clinical testing. Allele origin: germline.

PreventionGenetics, part of Exact Sciences
Classification: Likely benign for NBAS-related condition. Last evaluated: 2025-04-11. Review status: criteria provided, single submitter. Criteria: ACMG Guidelines, 2015. Collection method: clinical testing. Allele origin: germline.
Comment: This variant is classified as likely benign based on ACMG/AMP sequence variant interpretation guidelines (Richards et al. 2015 PMID: 25741868, with internal and published modifications).

Blueprint Genetics
Classification: Likely benign. Last evaluated: 2024-11-01. Review status: criteria provided, single submitter. Criteria: ACMG Guidelines, 2015. Collection method: clinical testing. Allele origin: germline.

NM_015909.4(NBAS):c.5709A>T (p.Pro1903=)

Gene: NBAS (NBAS subunit of NRZ tethering complex; minus strand). Cytogenetic location: 2p24.3.
Variant type: single nucleotide variant.
Coding change: c.5709A>T on transcript NM_015909.4 (MANE Select); coding-DNA position 5709, A replaced by T.
Protein change: p.Pro1903=; no amino-acid change (proline 1903 retained).
Molecular consequence: synonymous variant. On other transcripts: non-coding transcript variant (1).
Genome position (GRCh38, 1-based): chr2:15,275,499, T>A on the plus strand (A>T on the coding strand, the complement: NBAS is on the minus strand). VCF-style: chr2-15275499-T-A. GRCh37 (hg19) VCF-style: chr2-15415623-T-A.
Identifiers: ClinVar variation 740523 (VCV000740523.11), dbSNP rs755723801, ClinGen allele CA1535244.
Genomic context (GRCh38, chr2:15,275,499, plus strand): 5'-TTCTTCTACTGTGCTCAAACCACTTTAAAATATCTTTTTGTTTACCTTGGTCACAGCTTT[T>A]GGAGAAAATGTAACTGCATCTACCACAGTGATGAGGTCACCTGGGTGGAGACGATCAAAG-3'
Protein context (NP_056993.2, residues 1893-1913): ITVVDAVTFS[Pro1903=]KAVTKLSVEA